The following is an entry in ClinVar:

NM_000260.4(MYO7A):c.5033G>A (p.Arg1678Gln)

Gene: MYO7A (myosin VIIA; plus strand). Cytogenetic location: 11q13.5.
Variant type: single nucleotide variant.
Coding change: c.5033G>A on transcript NM_000260.4 (MANE Select); coding-DNA position 5033, G replaced by A.
Protein change: p.Arg1678Gln; replaces arginine 1678 with glutamine.
Molecular consequence: missense variant.
Genome position (GRCh38, 1-based): chr11:77,201,628, G>A. VCF-style: chr11-77201628-G-A. GRCh37 (hg19) VCF-style: chr11-76912673-G-A.
Other names: c.4919G>A, p.Arg1640Gln (NM_001127180.2); c.4886G>A, p.Arg1629Gln (NM_001369365.1); short protein forms R1678Q, R1629Q, R1640Q.
Identifiers: ClinVar variation 286509 (VCV000286509.13), dbSNP rs371115266, ClinGen allele CA6198600.
Genomic context (GRCh38, chr11:77,201,628, plus strand): 5'-AGCGTGGGGACTTCCCCACCGACAGTGTGTACGTCATGCCCACTGTCACCATGCCACCGC[G>A]GGAGATTGTGGTATGTGGCCTGGGGGTGGCAGATGGGTGGGAGGTGCCATTAGACCCCTC-3'
Protein context (NP_000251.3, residues 1668-1688): YVMPTVTMPP[Arg1678Gln]EIVALVTMTP

ClinVar aggregate classification (germline): Conflicting classifications of pathogenicity. Review status: criteria provided, conflicting classifications (1 of 4 stars). 3 submissions from 3 submitters: Uncertain significance (2); Likely benign (1). Last evaluated 2025-10-01.

Allele frequency attached by ClinVar (database versions not stated): TOPMed 0.00004; gnomAD 0.00005; ESP Exome Variant Server 0.00008; gnomAD exomes 0.00008; ExAC 0.00012.

Submissions (3):

Labcorp Genetics (formerly Invitae), Labcorp
Classification: Likely benign. Last evaluated: 2025-10-01. Review status: criteria provided, single submitter. Criteria: Invitae Variant Classification Sherloc (09022015). Collection method: clinical testing. Allele origin: germline.

GeneDx
Classification: Uncertain significance. Last evaluated: 2022-05-18. Review status: criteria provided, single submitter. Criteria: GeneDx Variant Classification Process June 2021. Collection method: clinical testing. Allele origin: germline. Affected: yes.
Comment: In silico analysis supports that this missense variant does not alter protein structure/function; Has not been previously published as pathogenic or benign to our knowledge

Eurofins Ntd Llc (ga)
Classification: Uncertain significance. Last evaluated: 2018-09-07. Review status: criteria provided, single submitter. Criteria: EGL ClinVar v180209 classification definitions. Collection method: clinical testing. Allele origin: germline. Observed: 1 variant allele, 1 heterozygote.